The following is an entry in ClinVar:

NM_000553.6(WRN):c.4044C>G (p.Ile1348Met)

Gene: WRN (WRN RecQ like helicase; plus strand). Cytogenetic location: 8p12.
Variant type: single nucleotide variant.
Coding change: c.4044C>G on transcript NM_000553.6 (MANE Select); coding-DNA position 4044, C replaced by G.
Protein change: p.Ile1348Met; replaces isoleucine 1348 with methionine.
Molecular consequence: missense variant.
Genome position (GRCh38, 1-based): chr8:31,167,083, C>G. VCF-style: chr8-31167083-C-G. GRCh37 (hg19) VCF-style: chr8-31024599-C-G.
Other names: short protein forms I1348M.
Identifiers: ClinVar variation 1011800 (VCV001011800.3), dbSNP rs763768734, ClinGen allele CA370908982.

ClinVar aggregate classification (germline): Uncertain significance (1 of 4 stars; one submission).

Conditions:
Werner syndrome (WRN). Identifiers: Orphanet 902, MedGen C0043119, MONDO:0010196, OMIM 277700.

gnomAD v4.1: 4 of 1,613,356 alleles (0.00025%); highest among the groups gnomAD compares: Non-Finnish European, 0.00034%; no homozygotes.

Submission:

Labcorp Genetics (formerly Invitae), Labcorp
Classification: Uncertain significance for Werner syndrome. Last evaluated: 2020-09-15. Review status: criteria provided, single submitter. Criteria: Invitae Variant Classification Sherloc (09022015). Collection method: clinical testing. Allele origin: germline.
Comment: In summary, the available evidence is currently insufficient to determine the role of this variant in disease. Therefore, it has been classified as a Variant of Uncertain Significance. Algorithms developed to predict the effect of missense changes on protein structure and function are either unavailable or do not agree on the potential impact of this missense change (SIFT: "Not Available"; PolyPhen-2: "Probably Damaging"; Align-GVGD: "Not Available"). This variant has not been reported in the literature in individuals with WRN-related conditions. This variant is not present in population databases (ExAC no frequency). This sequence change replaces isoleucine with methionine at codon 1348 of the WRN protein (p.Ile1348Met). The isoleucine residue is highly conserved and there is a small physicochemical difference between isoleucine and methionine.